The following is an entry in ClinVar:

NM_014000.3(VCL):c.3379G>A (p.Val1127Ile)

Gene: VCL (vinculin; plus strand). Cytogenetic location: 10q22.2.
Variant type: single nucleotide variant.
Coding change: c.3379G>A on transcript NM_014000.3 (MANE Select); coding-DNA position 3379, G replaced by A.
Protein change: p.Val1127Ile; replaces valine 1127 with isoleucine.
Molecular consequence: missense variant.
Genome position (GRCh38, 1-based): chr10:74,118,143, G>A. VCF-style: chr10-74118143-G-A. GRCh37 (hg19) VCF-style: chr10-75877901-G-A.
Other names: c.3175G>A, p.Val1059Ile (NM_003373.4); short protein forms V1127I, V1059I.
Identifiers: ClinVar variation 487634 (VCV000487634.2), dbSNP rs1312868617, ClinGen allele CA377268838.

ClinVar aggregate classification (germline): Uncertain significance. Review status: criteria provided, single submitter (1 of 4 stars). 2 submissions from 2 submitters: Uncertain significance (1). 1 of the submissions does not count toward it. Last evaluated 2025-07-30.

Conditions:
Dilated cardiomyopathy 1W (CMD1W). Identifiers: Orphanet 154, MedGen C1969639, MONDO:0012667, OMIM 611407.
Wolff-Parkinson-White pattern. Also called: WPW SYNDROME; Auriculoventricular accessory pathway syndrome; False bundle branch block syndrome; Anomalous ventricular excitation syndrome. Identifiers: MedGen C0043202, MONDO:0008685, OMIM 194200, HP:0001716.

Allele frequency attached by ClinVar (database versions not stated): TOPMed below 0.00001; gnomAD 0.00001.
gnomAD v4.1: 1 of 1,614,012 alleles (0.000062%); highest among the groups gnomAD compares: Admixed American, 0.0017%; no homozygotes.

Submissions (2):

Labcorp Genetics (formerly Invitae), Labcorp
Classification: Uncertain significance for Dilated cardiomyopathy 1W. Last evaluated: 2025-07-30. Review status: criteria provided, single submitter. Criteria: Invitae Variant Classification Sherloc (09022015). Collection method: clinical testing. Allele origin: germline.
Comment: This sequence change replaces valine, which is neutral and non-polar, with isoleucine, which is neutral and non-polar, at codon 1127 of the VCL protein (p.Val1127Ile). This variant is not present in population databases (gnomAD no frequency). This variant has not been reported in the literature in individuals affected with VCL-related conditions. ClinVar contains an entry for this variant (Variation ID: 487634). An algorithm developed to predict the effect of missense changes on protein structure and function (PolyPhen-2) suggests that this variant is likely to be tolerated. In summary, the available evidence is currently insufficient to determine the role of this variant in disease. Therefore, it has been classified as a Variant of Uncertain Significance.

Lupski Lab, Baylor-Hopkins CMG, Baylor College of Medicine
Classification: Uncertain significance for Wolff-Parkinson-White pattern. Last evaluated: 2017-07-14. Review status: no assertion criteria provided. Collection method: research. Allele origin: inherited. Affected: yes. Observed: 1 variant allele. Study: Candidate_variants_in_patients_with_ Wolff-Parkinson-White Syndrome. Not counted in ClinVar's aggregate classification.